The following is an entry in ClinVar:

NM_000152.5(GAA):c.2509C>T (p.Arg837Cys)

Gene: GAA (alpha glucosidase; plus strand). Cytogenetic location: 17q25.3.
Variant type: single nucleotide variant.
Coding change: c.2509C>T on transcript NM_000152.5 (MANE Select); coding-DNA position 2509, C replaced by T.
Protein change: p.Arg837Cys; replaces arginine 837 with cysteine.
Molecular consequence: missense variant.
Genome position (GRCh38, 1-based): chr17:80,118,220, C>T. VCF-style: chr17-80118220-C-T. GRCh37 (hg19) VCF-style: chr17-78092019-C-T.
Other names: c.2509C>T (LRG_673t1); c.2509C>T, p.Arg837Cys (NM_001079803.3, NM_001079804.3); short protein forms R837C.
Identifiers: ClinVar variation 456408 (VCV000456408.9), dbSNP rs752421149, ClinGen allele CA8815777.

ClinVar aggregate classification (germline): Uncertain significance. Review status: criteria provided, multiple submitters, no conflicts (2 of 4 stars). 4 submissions from 4 submitters: Uncertain significance (3). 1 of the submissions does not count toward it. Last evaluated 2026-07-01.

Conditions:
Glycogen storage disease, type II (IOPD). Also called: GLYCOGENOSIS, GENERALIZED, CARDIAC FORM; GSD II; POMPE DISEASE, INFANTILE-ONSET; GLYCOGEN STORAGE DISEASE II, INFANTILE-ONSET; ACID ALPHA-GLUCOSIDASE DEFICIENCY, INFANTILE-ONSET; GAA DEFICIENCY, INFANTILE-ONSET. Identifiers: Orphanet 365, MedGen C0017921, MONDO:0009290, OMIM 232300.

Allele frequency attached by ClinVar (database versions not stated): gnomAD 0.00001; gnomAD exomes 0.00001 and 0.00002; TOPMed 0.00001; ExAC 0.00003.
gnomAD v4.1: 16 of 1,613,038 alleles (0.00099%); highest among the groups gnomAD compares: African/African-American, 0.0027%; no homozygotes.

Submissions (4):

Genomenon, Inc
Classification: Uncertain significance for Glycogen storage disease, type II. Last evaluated: 2026-07-01. Review status: criteria provided, single submitter. Criteria: Genomenon Sequence Variant Interpretation Standards - Updated. Collection method: curation. Allele origin: germline. Affected: yes.
Comment: GAA p.Arg837Cys (c.2509C>T) is a missense variant that changes the amino acid at codon 837 from Arginine to Cysteine. This variant has been observed in at least one proband with a GAA-related disorder in the compound heterozygous and/or homozygous state (PMID:39213226;28196920). It is absent or not present at a significant frequency in gnomAD. In silico models predict that this variant is possibly or probably damaging. In conclusion, we classify GAA p.Arg837Cys (c.2509C>T) as a variant of uncertain significance.

Revvity Omics, Revvity
Classification: Uncertain significance. Last evaluated: 2025-05-05. Review status: criteria provided, single submitter. Criteria: ACMG Guidelines, 2015. Collection method: clinical testing. Allele origin: germline.

Labcorp Genetics (formerly Invitae), Labcorp
Classification: Uncertain significance for Glycogen storage disease, type II. Last evaluated: 2022-07-26. Review status: criteria provided, single submitter. Criteria: Invitae Variant Classification Sherloc (09022015). Collection method: clinical testing. Allele origin: germline.
Comment: This sequence change replaces arginine, which is basic and polar, with cysteine, which is neutral and slightly polar, at codon 837 of the GAA protein (p.Arg837Cys). This variant is present in population databases (rs752421149, gnomAD 0.005%). This missense change has been observed in individual(s) with a positive newborn screening result for GAA-related disease (external communication). ClinVar contains an entry for this variant (Variation ID: 456408). Advanced modeling of protein sequence and biophysical properties (such as structural, functional, and spatial information, amino acid conservation, physicochemical variation, residue mobility, and thermodynamic stability) performed at Invitae indicates that this missense variant is expected to disrupt GAA protein function. In summary, the available evidence is currently insufficient to determine the role of this variant in disease. Therefore, it has been classified as a Variant of Uncertain Significance.

Natera, Inc.
Classification: Uncertain significance for Glycogen storage disease type II. Last evaluated: 2020-09-16. Review status: no assertion criteria provided. Collection method: clinical testing. Allele origin: germline. Not counted in ClinVar's aggregate classification.

Literature cited by the submitters: PubMed 39213226 (cited by Genomenon, Inc); PubMed 28196920 (cited by Genomenon, Inc).